The following is an entry in ClinVar:

NM_001258392.3(CLPB):c.1474G>T (p.Ala492Ser)

Gene: CLPB (ClpB family mitochondrial disaggregase; minus strand). Cytogenetic location: 11q13.4.
Variant type: single nucleotide variant.
Coding change: c.1474G>T on transcript NM_001258392.3 (MANE Select); coding-DNA position 1474, G replaced by T.
Protein change: p.Ala492Ser; replaces alanine 492 with serine.
Molecular consequence: missense variant.
Genome position (GRCh38, 1-based): chr11:72,295,504, C>A on the plus strand (G>T on the coding strand, the complement: CLPB is on the minus strand). VCF-style: chr11-72295504-C-A. GRCh37 (hg19) VCF-style: chr11-72006548-C-A.
Other names: c.1387G>T, p.Ala463Ser (NM_001258393.3); c.1429G>T, p.Ala477Ser (NM_001258394.3); c.1564G>T, p.Ala522Ser (NM_030813.6); c.1564G>T (NM_030813.3); short protein forms A522S, A492S, A463S, A477S.
Identifiers: ClinVar variation 784200 (VCV000784200.8), dbSNP rs145040658, ClinGen allele CA6171162.

ClinVar aggregate classification (germline): Likely benign. Review status: criteria provided, multiple submitters, no conflicts (2 of 4 stars). 3 submissions from 3 submitters: Likely benign (2). 1 of the submissions does not count toward it. Last evaluated 2021-10-12.

Conditions:
CLPB-related disorder. Also called: CLPB-related condition.
Inborn genetic diseases. Identifiers: MedGen C0950123, MeSH D030342.

Allele frequency attached by ClinVar (database versions not stated): gnomAD exomes 0.00027; ExAC 0.00046; gnomAD 0.00123 and 0.00133; TOPMed 0.00138; 1000 Genomes Project 0.00180; 1000 Genomes Project 30x 0.00187.
gnomAD v4.1: 355 of 1,614,116 alleles (0.022%); highest among the groups gnomAD compares: African/African-American, 0.44%; 1 homozygote.

Submissions (3):

Ambry Genetics
Classification: Likely benign for Inborn genetic diseases. Last evaluated: 2021-10-12. Review status: criteria provided, single submitter. Criteria: Ambry Variant Classification Scheme 2023. Collection method: clinical testing. Allele origin: germline.

Labcorp Genetics (formerly Invitae), Labcorp
Classification: Likely benign. Last evaluated: 2017-07-10. Review status: criteria provided, single submitter. Criteria: Invitae Variant Classification Sherloc (09022015). Collection method: clinical testing. Allele origin: germline.

PreventionGenetics, part of Exact Sciences
Classification: Likely benign for CLPB-related condition. Last evaluated: 2024-07-15. Review status: no assertion criteria provided. Collection method: clinical testing. Allele origin: germline. Not counted in ClinVar's aggregate classification.
Comment: This variant is classified as likely benign based on ACMG/AMP sequence variant interpretation guidelines (Richards et al. 2015 PMID: 25741868, with internal and published modifications).